The following is an entry in ClinVar:

NM_001267550.2(TTN):c.83673T>C (p.Gly27891=)

Genes: TTN-AS1 (TTN antisense RNA 1; plus strand), TTN (titin; minus strand). Cytogenetic location: 2q31.2.
Variant type: single nucleotide variant.
Coding change: c.83673T>C on transcript NM_001267550.2 (MANE Select); coding-DNA position 83673, T replaced by C.
Protein change: p.Gly27891=; no amino-acid change (glycine 27891 retained).
Molecular consequence: synonymous variant.
Genome position (GRCh38, 1-based): chr2:178,562,459, A>G on the plus strand (T>C on the coding strand, the complement: TTN is on the minus strand). VCF-style: chr2-178562459-A-G. GRCh37 (hg19) VCF-style: chr2-179427186-A-G.
Other names: p.G26250G:GGT>GGC; p.Gly25323=; c.78750T>C, p.Gly26250= (NM_001256850.1); c.56478T>C, p.Gly18826= (NM_003319.4); c.75969T>C, p.Gly25323= (NM_133378.4); c.56853T>C, p.Gly18951= (NM_133432.3); c.57054T>C, p.Gly19018= (NM_133437.4).
Identifiers: ClinVar variation 47429 (VCV000047429.36), dbSNP rs2366751, ClinGen allele CA283936.
Genomic context (GRCh38, chr2:178,562,459, plus strand): 5'-GCTCCACTTTTCACTCCCTTTAGTCTGCATTTCAACCACATAACCAGTAATTTTGCTGCC[A>G]CCATCACTTTCTGGTTTCTCCCACTTAATTGTAGCTGTATTACGGGTCACATCAACAAGA-3'
Protein context (NP_001254479.2, residues 27881-27901): TIKWEKPESD[Gly27891=]GSKITGYVVE

ClinVar aggregate classification (germline): Benign. Review status: criteria provided, multiple submitters, no conflicts (2 of 4 stars). 23 submissions from 16 submitters: Benign (21). 2 of the submissions do not count toward it. Last evaluated 2026-02-04.

Conditions:
Cardiovascular phenotype. Identifiers: MedGen CN230736.
Dilated cardiomyopathy 1G (CMD1G). Identifiers: Orphanet 154, MedGen C1858763, MONDO:0011400, OMIM 604145.
Autosomal recessive limb-girdle muscular dystrophy type 2J (LGMDR10). Also called: MUSCULAR DYSTROPHY, LIMB-GIRDLE, AUTOSOMAL RECESSIVE 10; Limb-girdle muscular dystrophy, type 2J. Identifiers: Orphanet 140922, MedGen C1837342, MONDO:0012127, OMIM 608807.
Early-onset myopathy with fatal cardiomyopathy (CMYO5). Also called: CONGENITAL MYOPATHY 5 WITH CARDIOMYOPATHY; Salih Myopathy. Identifiers: Orphanet 289377, MedGen C2673677, MONDO:0012714, OMIM 611705. Disease mechanism: loss of function.
Myopathy, myofibrillar, 9, with early respiratory failure (MFM9). Also called: Myopathy, distal, with early respiratory failure, autosomal dominant; Hereditary myopathy with early respiratory failure; MYOPATHY, PROXIMAL, WITH EARLY RESPIRATORY MUSCLE INVOLVEMENT; EDSTROM MYOPATHY. Identifiers: Orphanet 178464, Orphanet 34521, MedGen C1863599, MONDO:0011362, OMIM 603689.
Tibial muscular dystrophy (TMD). Also called: Udd Distal Myopathy – Tibial Muscular Dystrophy; Tibial muscular dystrophy, tardive; UDD MYOPATHY. Identifiers: Orphanet 609, MedGen C1838244, MONDO:0010870, OMIM 600334.

Allele frequency attached by ClinVar (database versions not stated): ESP Exome Variant Server 0.31803; gnomAD 0.35531 and 0.36145; TOPMed 0.37611; 1000 Genomes Project 0.50879; gnomAD exomes 0.26686 and 0.35112; ExAC 0.35129; 1000 Genomes Project 30x 0.50312.
gnomAD v4.1: 446,894 of 1,612,194 alleles (28%); highest among the groups gnomAD compares: East Asian, 70%; 74,727 homozygotes.

Submissions (23):

Labcorp Genetics (formerly Invitae), Labcorp
Classification: Benign for Dilated cardiomyopathy 1G; Autosomal recessive limb-girdle muscular dystrophy type 2J. Last evaluated: 2026-02-04. Review status: criteria provided, single submitter. Criteria: Invitae Variant Classification Sherloc (09022015). Collection method: clinical testing. Allele origin: germline.

Molecular Diagnostic Laboratory for Inherited Cardiovascular Disease, Montreal Heart Institute
Classification: Benign. Last evaluated: 2025-04-09. Review status: criteria provided, single submitter. Criteria: ACMG Guidelines, 2015. Collection method: clinical testing. Allele origin: germline. Affected: no.

Genome-Nilou Lab
Classification: Benign for Autosomal recessive limb-girdle muscular dystrophy type 2J. Last evaluated: 2021-09-10. Review status: criteria provided, single submitter. Criteria: ACMG Guidelines, 2015. Collection method: clinical testing. Allele origin: germline. Affected: no.

Genome-Nilou Lab
Classification: Benign for Myopathy, myofibrillar, 9, with early respiratory failure. Last evaluated: 2021-09-10. Review status: criteria provided, single submitter. Criteria: ACMG Guidelines, 2015. Collection method: clinical testing. Allele origin: germline. Affected: no.

Genome-Nilou Lab
Classification: Benign for Early-onset myopathy with fatal cardiomyopathy. Last evaluated: 2021-09-10. Review status: criteria provided, single submitter. Criteria: ACMG Guidelines, 2015. Collection method: clinical testing. Allele origin: germline. Affected: no.

Genome-Nilou Lab
Classification: Benign for Tibial muscular dystrophy. Last evaluated: 2021-09-10. Review status: criteria provided, single submitter. Criteria: ACMG Guidelines, 2015. Collection method: clinical testing. Allele origin: germline. Affected: no.

Women's Health and Genetics/Laboratory Corporation of America, LabCorp
Classification: Benign. Last evaluated: 2019-08-19. Review status: criteria provided, single submitter. Criteria: LabCorp Variant Classification Summary - May 2015. Collection method: clinical testing. Allele origin: germline.

Athena Diagnostics
Classification: Benign. Last evaluated: 2018-11-02. Review status: criteria provided, single submitter. Criteria: Athena Diagnostics Criteria. Collection method: clinical testing. Allele origin: germline.

Illumina Laboratory Services, Illumina
Classification: Benign for Early-onset myopathy with fatal cardiomyopathy. Last evaluated: 2018-01-13. Review status: criteria provided, single submitter. Criteria: ICSL Variant Classification Criteria 13 December 2019. Collection method: clinical testing. Allele origin: germline.
Comment: This variant was observed in the ICSL laboratory as part of a predisposition screen in an ostensibly healthy population. It had not been previously curated by ICSL or reported in the Human Gene Mutation Database (HGMD: prior to June 1st, 2018), and was therefore a candidate for classification through an automated scoring system. Utilizing variant allele frequency, disease prevalence and penetrance estimates, and inheritance mode, an automated score was calculated to assess if this variant is too frequent to cause the disease. Based on the score and internal cut-off values, a variant classified as benign is not then subjected to further curation. The score for this variant resulted in a classification of benign for this disease.

Illumina Laboratory Services, Illumina
Classification: Benign for Tibial muscular dystrophy. Last evaluated: 2018-01-13. Review status: criteria provided, single submitter. Criteria: ICSL Variant Classification Criteria 13 December 2019. Collection method: clinical testing. Allele origin: germline.
Comment: the same text as in the submission from Illumina Laboratory Services, Illumina above.

Illumina Laboratory Services, Illumina
Classification: Benign for Autosomal recessive limb-girdle muscular dystrophy type 2J. Last evaluated: 2018-01-13. Review status: criteria provided, single submitter. Criteria: ICSL Variant Classification Criteria 13 December 2019. Collection method: clinical testing. Allele origin: germline.
Comment: the same text as in the submission from Illumina Laboratory Services, Illumina above.

Illumina Laboratory Services, Illumina
Classification: Benign for Myopathy, myofibrillar, 9, with early respiratory failure. Last evaluated: 2018-01-13. Review status: criteria provided, single submitter. Criteria: ICSL Variant Classification Criteria 13 December 2019. Collection method: clinical testing. Allele origin: germline.
Comment: the same text as in the submission from Illumina Laboratory Services, Illumina above.

Illumina Laboratory Services, Illumina
Classification: Benign for Dilated cardiomyopathy 1G. Last evaluated: 2018-01-13. Review status: criteria provided, single submitter. Criteria: ICSL Variant Classification Criteria 13 December 2019. Collection method: clinical testing. Allele origin: germline.
Comment: the same text as in the submission from Illumina Laboratory Services, Illumina above.

Mayo Clinic Laboratories, Mayo Clinic
Classification: Benign. Last evaluated: 2017-08-24. Review status: criteria provided, single submitter. Criteria: ACMG Guidelines, 2015. Collection method: clinical testing. Allele origin: germline. Observed: 1,166 variant alleles.

Genetic Services Laboratory, University of Chicago
Classification: Benign for AllHighlyPenetrant. Last evaluated: 2013-08-15. Review status: criteria provided, single submitter. Criteria: ACMG Guidelines, 2007. Collection method: clinical testing. Allele origin: germline.

Eurofins Ntd Llc (ga)
Classification: Benign. Last evaluated: 2013-07-23. Review status: criteria provided, single submitter. Criteria: EGL Classification Definitions 2015. Collection method: clinical testing. Allele origin: germline. Observed: 8 variant alleles, 6 heterozygotes, 2 homozygotes.

Ambry Genetics
Classification: Benign for Cardiovascular phenotype. Last evaluated: 2013-01-16. Review status: criteria provided, single submitter. Criteria: Ambry Autosomal Dominant and X-Linked criteria (10/2015). Collection method: clinical testing. Allele origin: germline. Observed: 1 variant allele.

GeneDx
Classification: Benign. Last evaluated: 2012-10-31. Review status: criteria provided, single submitter. Criteria: GeneDx Variant Classification (06012015). Collection method: clinical testing. Allele origin: germline. Affected: yes.
Comment: This variant is considered likely benign or benign based on one or more of the following criteria: it is a conservative change, it occurs at a poorly conserved position in the protein, it is predicted to be benign by multiple in silico algorithms, and/or has population frequency not consistent with disease.

Laboratory for Molecular Medicine, Mass General Brigham Personalized Medicine
Classification: Benign. Last evaluated: 2011-09-27. Review status: criteria provided, single submitter. Criteria: LMM Criteria. Collection method: clinical testing. Allele origin: germline. Observed: 884 variant alleles.

Breakthrough Genomics
Classification: Benign. Review status: criteria provided, single submitter. Criteria: ACMG Guidelines, 2015. Collection method: not provided. Allele origin: germline. Inheritance: Autosomal recessive inheritance. Affected: yes.

PreventionGenetics, part of Exact Sciences
Classification: Benign. Review status: criteria provided, single submitter. Criteria: ACMG Guidelines, 2015. Collection method: clinical testing. Allele origin: germline.

Clinical Genetics DNA and cytogenetics Diagnostics Lab, Erasmus MC, Erasmus Medical Center
Classification: Benign. Review status: no assertion criteria provided. Collection method: clinical testing. Allele origin: germline. Affected: yes. Study: VKGL Data-share Consensus. Not counted in ClinVar's aggregate classification.

Clinical Genetics, Academic Medical Center
Classification: Benign. Review status: no assertion criteria provided. Collection method: clinical testing. Allele origin: germline. Affected: yes. Study: VKGL Data-share Consensus. Not counted in ClinVar's aggregate classification.